The following is an entry in ClinVar:

NM_002181.4(IHH):c.650G>A (p.Arg217His)

Gene: IHH (Indian hedgehog signaling molecule; minus strand). Cytogenetic location: 2q35.
Variant type: single nucleotide variant.
Coding change: c.650G>A on transcript NM_002181.4 (MANE Select); coding-DNA position 650, G replaced by A.
Protein change: p.Arg217His; replaces arginine 217 with histidine.
Molecular consequence: missense variant.
Genome position (GRCh38, 1-based): chr2:219,055,793, C>T on the plus strand (G>A on the coding strand, the complement: IHH is on the minus strand). VCF-style: chr2-219055793-C-T. GRCh37 (hg19) VCF-style: chr2-219920515-C-T.
Other names: short protein forms R217H.
Identifiers: ClinVar variation 1313606 (VCV001313606.9), dbSNP rs145192358, ClinGen allele CA2116643.

ClinVar aggregate classification (germline): Uncertain significance. Review status: criteria provided, multiple submitters, no conflicts (2 of 4 stars). 2 submissions from 2 submitters: Uncertain significance (2). Last evaluated 2024-06-25.

Allele frequency attached by ClinVar (database versions not stated): gnomAD exomes 0.00002 and 0.00005; ExAC 0.00006; TOPMed 0.00014; gnomAD 0.00015 and 0.00016; ESP Exome Variant Server 0.00023.
gnomAD v4.1: 57 of 1,613,182 alleles (0.0035%); highest among the groups gnomAD compares: African/African-American, 0.036%; no homozygotes.

Submissions (2):

Labcorp Genetics (formerly Invitae), Labcorp
Classification: Uncertain significance. Last evaluated: 2024-06-25. Review status: criteria provided, single submitter. Criteria: Invitae Variant Classification Sherloc (09022015). Collection method: clinical testing. Allele origin: germline.
Comment: This sequence change replaces arginine, which is basic and polar, with histidine, which is basic and polar, at codon 217 of the IHH protein (p.Arg217His). This variant is present in population databases (rs145192358, gnomAD 0.05%). This variant has not been reported in the literature in individuals affected with IHH-related conditions. ClinVar contains an entry for this variant (Variation ID: 1313606). Advanced modeling of protein sequence and biophysical properties (such as structural, functional, and spatial information, amino acid conservation, physicochemical variation, residue mobility, and thermodynamic stability) performed at Invitae indicates that this missense variant is not expected to disrupt IHH protein function with a negative predictive value of 80%. In summary, the available evidence is currently insufficient to determine the role of this variant in disease. Therefore, it has been classified as a Variant of Uncertain Significance.

GeneDx
Classification: Uncertain significance. Last evaluated: 2021-06-12. Review status: criteria provided, single submitter. Criteria: GeneDx Variant Classification Process June 2021. Collection method: clinical testing. Allele origin: germline. Affected: yes.
Comment: In silico analysis supports that this missense variant does not alter protein structure/function; Has not been previously published as pathogenic or benign to our knowledge; This variant is associated with the following publications: (PMID: 27535533)